The following is an entry in ClinVar:

ClinVar aggregate classification (germline): Likely benign (1 of 4 stars; one submission).

Allele frequency attached by ClinVar (database versions not stated): 1000 Genomes Project 30x 0.00125; 1000 Genomes Project 0.00132; gnomAD 0.00557 and 0.00567; TOPMed 0.00566; gnomAD exomes 0.00784.
gnomAD v4.1: 5,669 of 759,873 alleles (0.75%); highest among the groups gnomAD compares: Non-Finnish European, 0.98%; 15 homozygotes.

Submissions (3):

GeneDx
Classification: Likely benign. Last evaluated: 2018-06-14. Review status: criteria provided, single submitter. Criteria: GeneDx Variant Classification (06012015). Collection method: clinical testing. Allele origin: germline. Affected: yes.
Comment: This variant is considered likely benign or benign based on one or more of the following criteria: it is a conservative change, it occurs at a poorly conserved position in the protein, it is predicted to be benign by multiple in silico algorithms, and/or has population frequency not consistent with disease.

Dr. Peter K. Rogan Lab, Western University
No classification provided (evidence only). Condition: Familial pancreatic carcinoma. Review status: no classification provided. Collection method: in vitro. Allele origin: not applicable. Functional consequence: retained intron. Not counted in ClinVar's aggregate classification.

Dr. Peter K. Rogan Lab, Western University
No classification provided (evidence only). Condition: Ovarian cancer. Review status: no classification provided. Collection method: in vitro. Allele origin: not applicable. Functional consequence: retained intron. Not counted in ClinVar's aggregate classification.

NM_004006.3(DMD):c.2950-90A>C

Gene: DMD (dystrophin; minus strand). Cytogenetic location: Xp21.1.
Variant type: single nucleotide variant.
Coding change: c.2950-90A>C on transcript NM_004006.3 (MANE Select); 90 bases into the intron before coding-DNA position 2950, A replaced by C.
Molecular consequence: intron variant.
Genome position (GRCh38, 1-based): chrX:32,468,800, T>G on the plus strand (A>C on the coding strand, the complement: DMD is on the minus strand). VCF-style: chrX-32468800-T-G. GRCh37 (hg19) VCF-style: chrX-32486917-T-G.
Other names: NC_000023.10:g.32486917T>G; c.2926-90A>C (NM_000109.4); c.2938-90A>C (NM_004009.3); c.2581-90A>C (NM_004010.3).
Identifiers: ClinVar variation 675833 (VCV000675833.2), dbSNP rs72468668, ClinGen allele CA328004971.